The following is an entry in ClinVar:

NM_018486.3(HDAC8):c.937C>T (p.Arg313Ter)

Gene: HDAC8 (histone deacetylase 8; minus strand). Cytogenetic location: Xq13.1.
Variant type: single nucleotide variant.
Coding change: c.937C>T on transcript NM_018486.3 (MANE Select); coding-DNA position 937, C replaced by T.
Protein change: p.Arg313Ter; replaces arginine 313 with a stop codon.
Molecular consequence: nonsense. On other transcripts: non-coding transcript variant (1).
Genome position (GRCh38, 1-based): chrX:72,462,072, G>A on the plus strand (C>T on the coding strand, the complement: HDAC8 is on the minus strand). VCF-style: chrX-72462072-G-A. GRCh37 (hg19) VCF-style: chrX-71681922-G-A.
Other names: c.664C>T, p.Arg222Ter (NM_001166418.2); short protein forms R313*, R222*.
Identifiers: ClinVar variation 523222 (VCV000523222.8), dbSNP rs1569316085, ClinGen allele CA413642290.

ClinVar aggregate classification (germline): Pathogenic. Review status: criteria provided, multiple submitters, no conflicts (2 of 4 stars). 5 submissions from 5 submitters: Pathogenic (5). Last evaluated 2026-01-31.

Conditions:
Cornelia de Lange syndrome 5 (CDLS5). Also called: HDAC8-Related Cornelia de Lange Syndrome. Identifiers: Orphanet 199, MedGen C3550903, MONDO:0010471, OMIM 300882.

Submissions (5):

GeneDx
Classification: Pathogenic. Last evaluated: 2026-01-31. Review status: criteria provided, single submitter. Criteria: GeneDx Variant Classification Process June 2021. Collection method: clinical testing. Allele origin: germline.
Comment: Nonsense variant predicted to result in protein truncation or nonsense mediated decay in a gene for which loss of function is a known mechanism of disease; Not observed at significant frequency in large population cohorts (gnomAD); This variant is associated with the following publications: (PMID: 35982159, 37010288, 33057194, 33504798, 30158690)

3billion
Classification: Pathogenic for Cornelia de Lange syndrome 5. Last evaluated: 2025-12-14. Review status: criteria provided, single submitter. Criteria: ACMG Guidelines, 2015. Collection method: clinical testing. Allele origin: germline. Affected: yes.
Comment: The variant is not observed in the gnomAD v4.1.0 dataset. Predicted Consequence/Location: Stop-gained (nonsense): predicted to result in a loss or disruption of normal protein function through nonsense-mediated decay (NMD) or protein truncation. Multiple pathogenic variants are reported downstream of the variant. The variant has been reported at least twice as pathogenic with clinical assertions and evidence for the classification (ClinVar ID: VCV000523222 /PMID: 30158690). Therefore, this variant is classified as Pathogenic according to the recommendation of ACMG/AMP guideline.

Institute of Medical Genetics and Applied Genomics, University Hospital Tübingen
Classification: Pathogenic for Cornelia de Lange syndrome 5. Last evaluated: 2024-08-05. Review status: criteria provided, single submitter. Criteria: ACMG Guidelines, 2015. Collection method: clinical testing. Allele origin: germline. Inheritance: X-linked dominant inheritance. Affected: yes.

Laboratorio de Genetica e Diagnostico Molecular, Hospital Israelita Albert Einstein
Classification: Pathogenic for Cornelia de Lange syndrome 5. Last evaluated: 2023-11-29. Review status: criteria provided, single submitter. Criteria: ACMG Guidelines, 2015. Collection method: clinical testing. Allele origin: germline. Affected: yes.
Comment: ACMG classification criteria: PVS1 very strong, PS4 supporting, PM2 moderate

Baylor Genetics
Classification: Pathogenic for Cornelia de Lange syndrome 5. Last evaluated: 2018-03-08. Review status: criteria provided, single submitter. Criteria: ACMG Guidelines, 2015. Collection method: clinical testing. Allele origin: germline. Affected: yes. Observed: 1 variant allele.

Literature cited by the submitters: PubMed 30158690 (cited by 3billion and Baylor Genetics).